The following is an entry in ClinVar:

ClinVar aggregate classification (germline): Uncertain significance. Review status: criteria provided, multiple submitters, no conflicts (2 of 4 stars). 2 submissions from 2 submitters: Uncertain significance (2). Last evaluated 2025-04-06.

Conditions:
Catecholaminergic polymorphic ventricular tachycardia 1. Also called: VENTRICULAR TACHYCARDIA, CATECHOLAMINERGIC POLYMORPHIC, 1, WITH OR WITHOUT ATRIAL DYSFUNCTION AND/OR DILATED CARDIOMYOPATHY; VENTRICULAR TACHYCARDIA, STRESS-INDUCED POLYMORPHIC 1; RYR2-Related Catecholaminergic Polymorphic Ventricular Tachycardia. Identifiers: Orphanet 3286, MedGen C1631597, MONDO:0011484, OMIM 604772.
Cardiovascular phenotype. Identifiers: MedGen CN230736.

Allele frequency attached by ClinVar (database versions not stated): gnomAD exomes below 0.00001 and 0.00001; gnomAD 0.00001; TOPMed 0.00001; ExAC 0.00002; ESP Exome Variant Server 0.00008.
gnomAD v4.1: 3 of 1,610,482 alleles (0.00019%); highest among the groups gnomAD compares: African/African-American, 0.004%; no homozygotes.

Submissions (2):

Ambry Genetics
Classification: Uncertain significance for Cardiovascular phenotype. Last evaluated: 2025-04-06. Review status: criteria provided, single submitter. Criteria: Ambry Variant Classification Scheme 2023. Collection method: clinical testing. Allele origin: germline.
Comment: The p.A3363P variant (also known as c.10087G>C), located in coding exon 69 of the RYR2 gene, results from a G to C substitution at nucleotide position 10087. The alanine at codon 3363 is replaced by proline, an amino acid with highly similar properties. This amino acid position is not well conserved in available vertebrate species. In addition, the in silico prediction for this alteration is inconclusive. Based on the available evidence, the clinical significance of this variant remains unclear.

Labcorp Genetics (formerly Invitae), Labcorp
Classification: Uncertain significance for Catecholaminergic polymorphic ventricular tachycardia 1. Last evaluated: 2021-09-21. Review status: criteria provided, single submitter. Criteria: Invitae Variant Classification Sherloc (09022015). Collection method: clinical testing. Allele origin: germline.
Comment: This sequence change replaces alanine with proline at codon 3363 of the RYR2 protein (p.Ala3363Pro). The alanine residue is highly conserved and there is a small physicochemical difference between alanine and proline. This variant is present in population databases (rs374584820, ExAC 0.02%). This variant has not been reported in the literature in individuals affected with RYR2-related conditions. Algorithms developed to predict the effect of missense changes on protein structure and function are either unavailable or do not agree on the potential impact of this missense change (SIFT: "Deleterious"; PolyPhen-2: "Benign"; Align-GVGD: "Class C25"). In summary, the available evidence is currently insufficient to determine the role of this variant in disease. Therefore, it has been classified as a Variant of Uncertain Significance.

NM_001035.3(RYR2):c.10087G>C (p.Ala3363Pro)

Gene: RYR2 (ryanodine receptor 2; plus strand). Cytogenetic location: 1q43.
Variant type: single nucleotide variant.
Coding change: c.10087G>C on transcript NM_001035.3 (MANE Select); coding-DNA position 10087, G replaced by C.
Protein change: p.Ala3363Pro; replaces alanine 3363 with proline.
Molecular consequence: missense variant.
Genome position (GRCh38, 1-based): chr1:237,709,043, G>C. VCF-style: chr1-237709043-G-C. GRCh37 (hg19) VCF-style: chr1-237872343-G-C.
Other names: short protein forms A3363P.
Identifiers: ClinVar variation 853069 (VCV000853069.10), dbSNP rs374584820, ClinGen allele CA084143.
Genomic context (GRCh38, chr1:237,709,043, plus strand): 5'-GAGGCCAGGGGGGACATGTCGGAGGCAGAACTCCTCATCCTAGATGAGTTCACCACACTG[G>C]CCAGAGATCTCTATGCCTTCTACCCTCTCTTGATTAGATTTGTGGACTATAACAGGTATG-3'
Protein context (NP_001026.2, residues 3353-3373): LLILDEFTTL[Ala3363Pro]RDLYAFYPLL